The following is an entry in ClinVar:

ClinVar aggregate classification (germline): Uncertain significance (1 of 4 stars; one submission).

Conditions:
Inborn genetic diseases. Identifiers: MedGen C0950123, MeSH D030342.

Submission:

Ambry Genetics
Classification: Uncertain significance for Inborn genetic diseases. Last evaluated: 2024-11-27. Review status: criteria provided, single submitter. Criteria: Ambry Variant Classification Scheme 2023. Collection method: clinical testing. Allele origin: germline.
Comment: The p.N177D variant (also known as c.529A>G), located in coding exon 5 of the RTEL1 gene, results from an A to G substitution at nucleotide position 529. The asparagine at codon 177 is replaced by aspartic acid, an amino acid with highly similar properties. This amino acid position is conserved. In addition, this alteration is predicted to be tolerated by in silico analysis. Based on the available evidence, the clinical significance of this variant remains unclear.

NM_001283009.2(RTEL1):c.529A>G (p.Asn177Asp)

Genes: RTEL1 (regulator of telomere elongation helicase 1; plus strand), RTEL1-TNFRSF6B (RTEL1-TNFRSF6B readthrough (NMD candidate); plus strand). Cytogenetic location: 20q13.33.
Variant type: single nucleotide variant.
Coding change: c.529A>G on transcript NM_001283009.2 (MANE Select); coding-DNA position 529, A replaced by G.
Protein change: p.Asn177Asp; replaces asparagine 177 with aspartic acid.
Molecular consequence: missense variant. On other transcripts: non-coding transcript variant (1), 5 prime UTR variant (1).
Genome position (GRCh38, 1-based): chr20:63,662,880, A>G. VCF-style: chr20-63662880-A-G. GRCh37 (hg19) VCF-style: chr20-62294233-A-G.
Other names: c.-141A>G (NM_001283010.1); c.529A>G, p.Asn177Asp (NM_016434.4); c.601A>G, p.Asn201Asp (NM_032957.5); short protein forms N177D, N201D.
Identifiers: ClinVar variation 3435988 (VCV003435988.1).